The following is an entry in ClinVar:

NM_006015.6(ARID1A):c.2298G>A (p.Gln766=)

Gene: ARID1A (AT-rich interaction domain 1A; plus strand). Cytogenetic location: 1p36.11.
Variant type: single nucleotide variant.
Coding change: c.2298G>A on transcript NM_006015.6 (MANE Select); coding-DNA position 2298, G replaced by A.
Protein change: p.Gln766=; no amino-acid change (glutamine 766 retained).
Molecular consequence: synonymous variant.
Genome position (GRCh38, 1-based): chr1:26,762,198, G>A. VCF-style: chr1-26762198-G-A. GRCh37 (hg19) VCF-style: chr1-27088689-G-A.
Other names: c.2298G>A, p.Gln766= (NM_139135.4).
Identifiers: ClinVar variation 1183815 (VCV001183815.8), dbSNP rs572510196, ClinGen allele CA706967.

ClinVar aggregate classification (germline): Benign/Likely benign. Review status: criteria provided, multiple submitters, no conflicts (2 of 4 stars). 4 submissions from 4 submitters: Benign (2); Likely benign (1). 1 of the submissions does not count toward it. Last evaluated 2025-09-19.

Conditions:
ARID1A-related disorder. Also called: ARID1A-related condition.

Allele frequency attached by ClinVar (database versions not stated): TOPMed 0.00002; gnomAD 0.00012; gnomAD exomes 0.00014 and 0.00031; ExAC 0.00022; 1000 Genomes Project 0.00060; 1000 Genomes Project 30x 0.00062.
gnomAD v4.1: 223 of 1,614,152 alleles (0.014%); highest among the groups gnomAD compares: South Asian, 0.23%; 2 homozygotes.

Submissions (4):

Labcorp Genetics (formerly Invitae), Labcorp
Classification: Benign. Last evaluated: 2025-09-19. Review status: criteria provided, single submitter. Criteria: Invitae Variant Classification Sherloc (09022015). Collection method: clinical testing. Allele origin: germline.

Blueprint Genetics
Classification: Likely benign. Last evaluated: 2023-11-03. Review status: criteria provided, single submitter. Criteria: ACMG Guidelines, 2015. Collection method: clinical testing. Allele origin: germline.

GeneDx
Classification: Benign. Last evaluated: 2020-12-25. Review status: criteria provided, single submitter. Criteria: GeneDx Variant Classification Process June 2021. Collection method: clinical testing. Allele origin: germline. Affected: yes.

PreventionGenetics, part of Exact Sciences
Classification: Likely benign for ARID1A-related condition. Last evaluated: 2019-07-01. Review status: no assertion criteria provided. Collection method: clinical testing. Allele origin: germline. Not counted in ClinVar's aggregate classification.
Comment: This variant is classified as likely benign based on ACMG/AMP sequence variant interpretation guidelines (Richards et al. 2015 PMID: 25741868, with internal and published modifications).